The following is an entry in ClinVar:

ClinVar aggregate classification (germline): Likely pathogenic (1 of 4 stars; one submission).

gnomAD v4.1: 19 of 1,578,892 alleles (0.0012%); highest among the groups gnomAD compares: Non-Finnish European, 0.0016%; no homozygotes.

Submissions (2):

Labcorp Genetics (formerly Invitae), Labcorp
Classification: Likely pathogenic. Last evaluated: 2025-03-22. Review status: criteria provided, single submitter. Criteria: Invitae Variant Classification Sherloc (09022015). Collection method: clinical testing. Allele origin: germline.
Comment: This sequence change affects a donor splice site in intron 9 of the DYNC2LI1 gene. It is expected to disrupt RNA splicing. Variants that disrupt the donor or acceptor splice site typically lead to a loss of protein function (PMID: 16199547), and loss-of-function variants in DYNC2LI1 are known to be pathogenic (PMID: 26077881, 26130459). The frequency data for this variant in the population databases is considered unreliable, as metrics indicate poor data quality at this position in the gnomAD database. This variant has not been reported in the literature in individuals affected with DYNC2LI1-related conditions. Algorithms developed to predict the effect of sequence changes on RNA splicing suggest that this variant may disrupt the consensus splice site. In summary, the currently available evidence indicates that the variant is pathogenic, but additional data are needed to prove that conclusively. Therefore, this variant has been classified as Likely Pathogenic.

Dr. Peter K. Rogan Lab, Western University
No classification provided (evidence only). Condition: Papillary renal cell carcinoma type 1. Review status: no classification provided. Collection method: in vitro. Allele origin: not applicable. Functional consequence: skipped exon, retained intron. Not counted in ClinVar's aggregate classification.

Literature cited by the submitters: PubMed 16199547 (cited by Labcorp Genetics (formerly Invitae), Labcorp); PubMed 26077881 (cited by Labcorp Genetics (formerly Invitae), Labcorp); PubMed 26130459 (cited by Labcorp Genetics (formerly Invitae), Labcorp).

NM_016008.4(DYNC2LI1):c.731+1G>T

Gene: DYNC2LI1 (dynein cytoplasmic 2 light intermediate chain 1; plus strand). Cytogenetic location: 2p21.
Variant type: single nucleotide variant.
Coding change: c.731+1G>T on transcript NM_016008.4 (MANE Select); the canonical splice donor site of the intron after coding-DNA position 731, G replaced by T.
Molecular consequence: splice donor variant.
Genome position (GRCh38, 1-based): chr2:43,800,918, G>T. VCF-style: chr2-43800918-G-T. GRCh37 (hg19) VCF-style: chr2-44028057-G-T.
Other names: NC_000002.11:g.44028057G>T; c.734+1G>T (NM_001348913.2, NM_001193464.2); c.731+1G>T (NM_001348912.2).
Identifiers: ClinVar variation 4514263 (VCV004514263.2).